The following is an entry in ClinVar:

ClinVar aggregate classification (germline): Uncertain significance (1 of 4 stars; one submission).

Allele frequency attached by ClinVar (database versions not stated): gnomAD exomes 0.00001; ExAC 0.00002.

Submission:

Labcorp Genetics (formerly Invitae), Labcorp
Classification: Uncertain significance. Last evaluated: 2024-10-08. Review status: criteria provided, single submitter. Criteria: Invitae Variant Classification Sherloc (09022015). Collection method: clinical testing. Allele origin: germline.
Comment: This sequence change replaces alanine, which is neutral and non-polar, with valine, which is neutral and non-polar, at codon 419 of the HPS6 protein (p.Ala419Val). This variant is present in population databases (rs751356928, gnomAD 0.01%). This variant has not been reported in the literature in individuals affected with HPS6-related conditions. ClinVar contains an entry for this variant (Variation ID: 1911678). Invitae Evidence Modeling of protein sequence and biophysical properties (such as structural, functional, and spatial information, amino acid conservation, physicochemical variation, residue mobility, and thermodynamic stability) indicates that this missense variant is not expected to disrupt HPS6 protein function with a negative predictive value of 80%. In summary, the available evidence is currently insufficient to determine the role of this variant in disease. Therefore, it has been classified as a Variant of Uncertain Significance.

NM_024747.6(HPS6):c.1256C>T (p.Ala419Val)

Gene: HPS6 (HPS6 biogenesis of lysosomal organelles complex 2 subunit 3; plus strand). Cytogenetic location: 10q24.32.
Variant type: single nucleotide variant.
Coding change: c.1256C>T on transcript NM_024747.6 (MANE Select); coding-DNA position 1256, C replaced by T.
Protein change: p.Ala419Val; replaces alanine 419 with valine.
Molecular consequence: missense variant.
Genome position (GRCh38, 1-based): chr10:102,066,730, C>T. VCF-style: chr10-102066730-C-T. GRCh37 (hg19) VCF-style: chr10-103826487-C-T.
Other names: short protein forms A419V.
Identifiers: ClinVar variation 1911678 (VCV001911678.4), dbSNP rs751356928, ClinGen allele CA5659955.